The following is an entry in ClinVar:

NM_004629.2(FANCG):c.304_307dup (p.Val103fs)

Gene: FANCG (FA complementation group G; minus strand). Cytogenetic location: 9p13.3.
Variant type: Microsatellite.
Coding change: c.304_307dup on transcript NM_004629.2 (MANE Select); coding-DNA positions 304 to 307, 4 bases duplicated (AGAG; older notation c.304_307dupAGAG).
Protein change: p.Val103fs; shifts the reading frame from valine 103.
Molecular consequence: frameshift variant.
Genome position (GRCh38, 1-based): chr9:35,078,605-35,078,608, CTCT duplicated on the plus strand (AGAG on the coding strand, the reverse complement: FANCG is on the minus strand); duplicating any 4 consecutive bases within chr9:35,078,605-35,078,612 gives the same sequence; the c. name uses the placement nearest the transcript's 3' end. VCF-style (leftmost placement, unchanged base first): chr9-35078604-C-CCTCT. GRCh37 (hg19) VCF-style: chr9-35078601-C-CCTCT.
Other names: c.300_301AG[6], p.Val103Glufs (NM_004629.1); c.304_307dup (NM_004629.1); short protein forms V103fs.
Identifiers: ClinVar variation 4815371 (VCV004815371.1).

ClinVar aggregate classification (germline): Likely pathogenic (1 of 4 stars; one submission).

Conditions:
Fanconi anemia complementation group G. Also called: FANCG-Related Fanconi Anemia; Fanconi anemia group G. Identifiers: Orphanet 84, MedGen C3469527, MONDO:0013565, OMIM 614082.

Submission:

Natera, Inc.
Classification: Likely pathogenic for Fanconi anemia group G. Last evaluated: 2024-12-04. Review status: criteria provided, single submitter. Criteria: Natera Variant Classification Schema (03/2026). Collection method: clinical testing. Allele origin: germline.
Comment: The c.304_307dup variant in FANCG is a frameshift variant predicted to shift the reading frame beginning at codon 103 and leads to a stop codon 53 codons downstream. This variant is expected to result in nonsense mediated decay, truncation, or a dysfunctional protein product. This variant is rare in the general population with a frequency below the threshold expected for the associated phenotype(s). Given the available evidence, this variant is classified as Likely Pathogenic.